The following is an entry in ClinVar:

ClinVar aggregate classification (germline): Pathogenic/Likely pathogenic. Review status: criteria provided, multiple submitters, no conflicts (2 of 4 stars). 3 submissions from 3 submitters: Pathogenic (1); Likely pathogenic (2). Last evaluated 2024-10-07.

Conditions:
Familial dysautonomia. Also called: FD; HSAN III. Identifiers: Orphanet 1764, MedGen C0013364, MONDO:0009131, OMIM 223900. Disease mechanism: loss of function.
Medulloblastoma (MDB). Also called: MEDULLOBLASTOMA PREDISPOSITION SYNDROME; Medulloblastoma, somatic. Identifiers: Orphanet 616, MedGen C0025149, MeSH D008527, MONDO:0007959, OMIM 155255, HP:0002885.

Allele frequency attached by ClinVar (database versions not stated): gnomAD exomes below 0.00001.
gnomAD v4.1: 3 of 1,614,076 alleles (0.00019%); highest among the groups gnomAD compares: South Asian, 0.0033%; no homozygotes.

Submissions (3):

Natera, Inc.
Classification: Likely pathogenic for Familial dysautonomia. Last evaluated: 2024-10-07. Review status: criteria provided, single submitter. Criteria: Natera Variant Classification Schema (03/2026). Collection method: clinical testing. Allele origin: germline.
Comment: The c.1249C>T variant in ELP1 is a nonsense variant predicted to introduce a stop codon at amino acid 417. This variant is expected to result in nonsense mediated decay, truncation, or a dysfunctional protein product. This variant is rare in the general population with a frequency below the threshold expected for the associated phenotype(s). Given the available evidence, this variant is classified as Likely Pathogenic.

Fulgent Genetics
Classification: Likely pathogenic for Medulloblastoma; Familial dysautonomia. Last evaluated: 2024-03-21. Review status: criteria provided, single submitter. Criteria: ACMG Guidelines, 2015. Collection method: clinical testing. Allele origin: germline.

Labcorp Genetics (formerly Invitae), Labcorp
Classification: Pathogenic. Last evaluated: 2023-09-08. Review status: criteria provided, single submitter. Criteria: Invitae Variant Classification Sherloc (09022015). Collection method: clinical testing. Allele origin: germline.
Comment: ClinVar contains an entry for this variant (Variation ID: 1903807). For these reasons, this variant has been classified as Pathogenic. This sequence change creates a premature translational stop signal (p.Gln417*) in the ELP1 gene. It is expected to result in an absent or disrupted protein product. Loss-of-function variants in ELP1 are known to be pathogenic (PMID: 18303054, 24173031). This variant is present in population databases (no rsID available, gnomAD 0.003%). This variant has not been reported in the literature in individuals affected with ELP1-related conditions.

Literature cited by the submitters: PubMed 18303054 (cited by Labcorp Genetics (formerly Invitae), Labcorp); PubMed 24173031 (cited by Labcorp Genetics (formerly Invitae), Labcorp).

NM_003640.5(ELP1):c.1249C>T (p.Gln417Ter)

Gene: ELP1 (elongator acetyltransferase complex subunit 1; minus strand). Cytogenetic location: 9q31.3.
Variant type: single nucleotide variant.
Coding change: c.1249C>T on transcript NM_003640.5 (MANE Select); coding-DNA position 1249, C replaced by T.
Protein change: p.Gln417Ter; replaces glutamine 417 with a stop codon.
Molecular consequence: nonsense.
Genome position (GRCh38, 1-based): chr9:108,911,121, G>A on the plus strand (C>T on the coding strand, the complement: ELP1 is on the minus strand). VCF-style: chr9-108911121-G-A. GRCh37 (hg19) VCF-style: chr9-111673401-G-A.
Other names: c.907C>T, p.Gln303Ter (NM_001318360.2); c.202C>T, p.Gln68Ter (NM_001330749.2); c.1249C>T (NM_003640.4); short protein forms Q68*, Q303*, Q417*.
Identifiers: ClinVar variation 1903807 (VCV001903807.7), dbSNP rs1301344134, ClinGen allele CA374429033.